The following is an entry in ClinVar:

NM_024675.4(PALB2):c.2779G>C (p.Asp927His)

Gene: PALB2 (partner and localizer of BRCA2; minus strand). Cytogenetic location: 16p12.2.
Variant type: single nucleotide variant.
Coding change: c.2779G>C on transcript NM_024675.4 (MANE Select); coding-DNA position 2779, G replaced by C.
Protein change: p.Asp927His; replaces aspartic acid 927 with histidine.
Molecular consequence: missense variant.
Genome position (GRCh38, 1-based): chr16:23,624,064, C>G on the plus strand (G>C on the coding strand, the complement: PALB2 is on the minus strand). VCF-style: chr16-23624064-C-G. GRCh37 (hg19) VCF-style: chr16-23635385-C-G.
Other names: c.2719G>C, p.Asp907His (NM_001407296.1); c.2707G>C, p.Asp903His (NM_001407297.1); c.2617G>C, p.Asp873His (NM_001407298.1, NM_001407302.1); c.2779G>C, p.Asp927His (NM_001407299.1, NM_001407300.1, NM_001407301.1); c.1894G>C, p.Asp632His (NM_001407304.1, NM_001407305.1, NM_001407306.1 and 4 more transcripts); c.1732G>C, p.Asp578His (NM_001407307.1); c.991G>C, p.Asp331His (NM_001407312.1, NM_001407313.1); c.313G>C, p.Asp105His (NM_001407314.1); short protein forms D105H, D903H, D578H, D907H, D331H, D927H, D632H, D873H.
Identifiers: ClinVar variation 1795889 (VCV001795889.4), dbSNP rs1567214436, ClinGen allele CA395145113.
Genomic context (GRCh38, chr16:23,624,064, plus strand): 5'-CATACCTGATCTCTCTGATTTCCAAATTTCCCAAAGCTACACACACGAGATTATACACAT[C>G]AGGCACTGGAACTATCTGTAATACTGGAACCTAAATAAAACAAAGCAGCCAAAAATTATG-3'
Protein context (NP_078951.2, residues 917-937): VPVLQIVPVP[Asp927His]VYNLVCVALG

ClinVar aggregate classification (germline): Uncertain significance. Review status: criteria provided, multiple submitters, no conflicts (2 of 4 stars). 2 submissions from 2 submitters: Uncertain significance (2). Last evaluated 2024-06-03.

Conditions:
Hereditary cancer-predisposing syndrome. Also called: Tumor predisposition; Hereditary Cancer Syndrome; Neoplastic Syndromes, Hereditary; Hereditary neoplastic syndrome. Identifiers: Orphanet 140162, MedGen C0027672, MeSH D009386, MONDO:0015356.
Familial cancer of breast. Also called: Hereditary breast cancer; BREAST CANCER, FAMILIAL; hereditary breast carcinoma. Identifiers: Orphanet 227535, MedGen C0346153, MONDO:0016419, OMIM 114480. Disease mechanism: loss of function.

Submissions (2):

Labcorp Genetics (formerly Invitae), Labcorp
Classification: Uncertain significance for Familial cancer of breast. Last evaluated: 2024-06-03. Review status: criteria provided, single submitter. Criteria: Invitae Variant Classification Sherloc (09022015). Collection method: clinical testing. Allele origin: germline.
Comment: This sequence change replaces aspartic acid, which is acidic and polar, with histidine, which is basic and polar, at codon 927 of the PALB2 protein (p.Asp927His). This variant is not present in population databases (gnomAD no frequency). This variant has not been reported in the literature in individuals affected with PALB2-related conditions. ClinVar contains an entry for this variant (Variation ID: 1795889). Advanced modeling of protein sequence and biophysical properties (such as structural, functional, and spatial information, amino acid conservation, physicochemical variation, residue mobility, and thermodynamic stability) performed at Invitae indicates that this missense variant is expected to disrupt PALB2 protein function with a positive predictive value of 80%. In summary, the available evidence is currently insufficient to determine the role of this variant in disease. Therefore, it has been classified as a Variant of Uncertain Significance.

Ambry Genetics
Classification: Uncertain significance for Hereditary cancer-predisposing syndrome. Last evaluated: 2019-06-12. Review status: criteria provided, single submitter. Criteria: Ambry Variant Classification Scheme 2023. Collection method: clinical testing. Allele origin: germline.
Comment: The p.D927H variant (also known as c.2779G>C), located in coding exon 8 of the PALB2 gene, results from a G to C substitution at nucleotide position 2779. The aspartic acid at codon 927 is replaced by histidine, an amino acid with similar properties. This amino acid position is well conserved in available vertebrate species. In addition, the in silico prediction for this alteration is inconclusive. Since supporting evidence is limited at this time, the clinical significance of this alteration remains unclear.